The following is an entry in ClinVar:

ClinVar aggregate classification (germline): Uncertain significance. Review status: criteria provided, multiple submitters, no conflicts (2 of 4 stars). 2 submissions from 2 submitters: Uncertain significance (2). Last evaluated 2025-09-11.

Conditions:
Renal cell carcinoma. Identifiers: Orphanet 217071, MedGen C0007134, MeSH D002292, MONDO:0005086, HP:0005584.
Hereditary cancer-predisposing syndrome. Also called: Neoplastic Syndromes, Hereditary; Tumor predisposition; Hereditary Cancer Syndrome; Hereditary neoplastic syndrome. Identifiers: Orphanet 140162, MedGen C0027672, MeSH D009386, MONDO:0015356.

gnomAD v4.1: 1 of 1,613,926 alleles (0.000062%); no homozygotes.

Submissions (2):

Labcorp Genetics (formerly Invitae), Labcorp
Classification: Uncertain significance for Renal cell carcinoma. Last evaluated: 2025-09-11. Review status: criteria provided, single submitter. Criteria: Invitae Variant Classification Sherloc (09022015). Collection method: clinical testing. Allele origin: germline.
Comment: This sequence change affects an acceptor splice site in intron 5 of the MET gene. It is expected to disrupt RNA splicing. Variants that disrupt the donor or acceptor splice site typically lead to a loss of protein function (PMID: 16199547), however the current clinical and genetic evidence is not sufficient to establish whether loss-of-function variants in MET cause disease. This variant is not present in population databases (gnomAD no frequency). This variant has not been reported in the literature in individuals affected with MET-related conditions. ClinVar contains an entry for this variant (Variation ID: 819866). Algorithms developed to predict the effect of sequence changes on RNA splicing suggest that this variant may disrupt the consensus splice site. In summary, the available evidence is currently insufficient to determine the role of this variant in disease. Therefore, it has been classified as a Variant of Uncertain Significance.

Ambry Genetics
Classification: Uncertain significance for Hereditary cancer-predisposing syndrome. Last evaluated: 2024-06-28. Review status: criteria provided, single submitter. Criteria: Ambry Variant Classification Scheme 2023. Collection method: clinical testing. Allele origin: germline.
Comment: The c.1702-1G>C intronic variant results from a G to C substitution one nucleotide upstream from coding exon 5 of the MET gene. Alterations that disrupt the canonical splice site are expected to cause aberrant splicing, resulting in an abnormal protein or a transcript that is subject to nonsense-mediated mRNA decay. However, loss of function of MET has not been established as a mechanism of disease. Based on the available evidence, the clinical significance of this alteration remains unclear.

Literature cited by the submitters: PubMed 16199547 (cited by Labcorp Genetics (formerly Invitae), Labcorp).

NM_000245.4(MET):c.1702-1G>C

Gene: MET (MET proto-oncogene, receptor tyrosine kinase; plus strand). Cytogenetic location: 7q31.2.
Variant type: single nucleotide variant.
Coding change: c.1702-1G>C on transcript NM_000245.4 (MANE Select); the canonical splice acceptor site of the intron before coding-DNA position 1702, G replaced by C.
Molecular consequence: splice acceptor variant.
Genome position (GRCh38, 1-based): chr7:116,755,354, G>C. VCF-style: chr7-116755354-G-C. GRCh37 (hg19) VCF-style: chr7-116395408-G-C.
Other names: c.1702-1G>C (NM_001127500.3, NM_001324401.3); c.412-1G>C (NM_001324402.2).
Identifiers: ClinVar variation 819866 (VCV000819866.13), dbSNP rs747390610, ClinGen allele CA164891544.